The following is an entry in ClinVar:

ClinVar aggregate classification (germline): Uncertain significance. Review status: reviewed by expert panel (3 of 4 stars). 2 submissions from 2 submitters: Uncertain significance (1). 1 of the submissions does not count toward it. Last evaluated 2025-01-15.

Conditions:
RUNX1-related disorder. Also called: RUNX1-related condition.
Hereditary thrombocytopenia and hematologic cancer predisposition syndrome. Identifiers: Orphanet 71290, MedGen CN281654, MONDO:0011071.

gnomAD v4.1: 66 of 1,432,358 alleles (0.0046%); highest among the groups gnomAD compares: Non-Finnish European, 0.0056%; no homozygotes.

Submissions (2):

ClinGen Myeloid Malignancy Variant Curation Expert Panel
Classification: Uncertain significance for Hereditary thrombocytopenia and hematologic cancer predisposition syndrome. Last evaluated: 2025-01-15. Review status: reviewed by expert panel. Criteria: ClinGen MyeloMalig ACMG Specifications v2. Collection method: curation. Allele origin: germline. Inheritance: Autosomal dominant inheritance.
Comment: NM_001754.5(RUNX1):c.*8G>C is a 3' UTR variant which does not meet any ACMG/AMP criteria. In summary, the clinical significance of this variant is uncertain. ACMG/AMP criteria applied, as specified by the Myeloid Malignancy Variant Curation Expert Panel for RUNX1: None.

PreventionGenetics, part of Exact Sciences
Classification: Likely benign for RUNX1-related condition. Last evaluated: 2024-07-25. Review status: no assertion criteria provided. Collection method: clinical testing. Allele origin: germline. Not counted in ClinVar's aggregate classification.
Comment: This variant is classified as likely benign based on ACMG/AMP sequence variant interpretation guidelines (Richards et al. 2015 PMID: 25741868, with internal and published modifications).

NM_001754.5(RUNX1):c.*8G>C

Gene: RUNX1 (RUNX family transcription factor 1; minus strand). Cytogenetic location: 21q22.12.
Variant type: single nucleotide variant.
Coding change: c.*8G>C on transcript NM_001754.5 (MANE Select); 8 bases downstream of the stop codon, G replaced by C.
Molecular consequence: 3 prime UTR variant.
Genome position (GRCh38, 1-based): chr21:34,792,127, C>G on the plus strand (G>C on the coding strand, the complement: RUNX1 is on the minus strand). VCF-style: chr21-34792127-C-G. GRCh37 (hg19) VCF-style: chr21-36164424-C-G.
Other names: c.*8G>C (NM_001001890.3).
Identifiers: ClinVar variation 3351124 (VCV003351124.2).